The following is an entry in ClinVar:

ClinVar aggregate classification (germline): Uncertain significance (1 of 4 stars; one submission).

Conditions:
Medulloblastoma (MDB). Also called: Medulloblastoma, somatic; MEDULLOBLASTOMA PREDISPOSITION SYNDROME. Identifiers: Orphanet 616, MedGen C0025149, MeSH D008527, MONDO:0007959, OMIM 155255, HP:0002885.
Gorlin syndrome. Also called: Basal cell nevus syndrome; Nevoid Basal Cell Carcinoma Syndrome. Identifiers: Orphanet 377, MedGen C0004779, MONDO:0007187.

Submission:

Labcorp Genetics (formerly Invitae), Labcorp
Classification: Uncertain significance for Gorlin syndrome; Medulloblastoma. Last evaluated: 2025-02-16. Review status: criteria provided, single submitter. Criteria: Invitae Variant Classification Sherloc (09022015). Collection method: clinical testing. Allele origin: germline.
Comment: This sequence change replaces alanine, which is neutral and non-polar, with threonine, which is neutral and polar, at codon 340 of the SUFU protein (p.Ala340Thr). This variant is not present in population databases (gnomAD no frequency). This variant has not been reported in the literature in individuals affected with SUFU-related conditions. ClinVar contains an entry for this variant (Variation ID: 2937584). Invitae Evidence Modeling of protein sequence and biophysical properties (such as structural, functional, and spatial information, amino acid conservation, physicochemical variation, residue mobility, and thermodynamic stability) indicates that this missense variant is not expected to disrupt SUFU protein function with a negative predictive value of 80%. In summary, the available evidence is currently insufficient to determine the role of this variant in disease. Therefore, it has been classified as a Variant of Uncertain Significance.

NM_016169.4(SUFU):c.1018G>A (p.Ala340Thr)

Gene: SUFU (SUFU negative regulator of hedgehog signaling; plus strand). Cytogenetic location: 10q24.32.
Variant type: single nucleotide variant.
Coding change: c.1018G>A on transcript NM_016169.4 (MANE Select); coding-DNA position 1018, G replaced by A.
Protein change: p.Ala340Thr; replaces alanine 340 with threonine.
Molecular consequence: missense variant.
Genome position (GRCh38, 1-based): chr10:102,599,540, G>A. VCF-style: chr10-102599540-G-A. GRCh37 (hg19) VCF-style: chr10-104359297-G-A.
Other names: c.1018G>A, p.Ala340Thr (NM_001178133.2); short protein forms A340T.
Identifiers: ClinVar variation 2937584 (VCV002937584.3), dbSNP rs34135067, ClinGen allele CA377911205.